The following is an entry in ClinVar:

NC_000023.11:g.(?_14843557)_(14873062_?)dup

Gene: FANCB (FA complementation group B; minus strand). Cytogenetic location: Xp22.2.
Variant type: Duplication.
Identifiers: ClinVar variation 833384 (VCV000833384.1).

ClinVar aggregate classification (germline): Uncertain significance (1 of 4 stars; one submission).

Conditions:
Fanconi anemia (FA). Also called: Fanconi's anemia. Identifiers: Orphanet 84, MedGen C0015625, MeSH D005199, MONDO:0019391.

Submission:

Labcorp Genetics (formerly Invitae), Labcorp
Classification: Uncertain significance for Fanconi anemia. Last evaluated: 2019-06-28. Review status: criteria provided, single submitter. Criteria: Invitae Variant Classification Sherloc (09022015). Collection method: clinical testing. Allele origin: germline.
Comment: A gross duplication of the genomic region encompassing the full coding sequence of the FANCB gene has been identified. The boundaries of this event are unknown as the duplication extends beyond the assayed region for this gene and therefore may encompass additional genes. As the precise location of this duplication is unknown, it may be in tandem or it may be located elsewhere in the genome. This variant has not been reported in the literature in individuals with FANCB-related disease. Experimental studies and prediction algorithms are not available for this variant, and the functional significance of this duplication is currently unknown. In summary, the available evidence is currently insufficient to determine the role of this variant in disease. Therefore, it has been classified as a Variant of Uncertain Significance.